The following is an entry in ClinVar:

NM_001005242.3(PKP2):c.371del (p.Gly124fs)

Gene: PKP2 (plakophilin 2; minus strand). Cytogenetic location: 12p11.21.
Variant type: Deletion.
Coding change: c.371del on transcript NM_001005242.3 (MANE Select); coding-DNA position 371, one base deleted (G; older notation c.371delG).
Protein change: p.Gly124fs; shifts the reading frame from glycine 124.
Molecular consequence: frameshift variant.
Genome position (GRCh38, 1-based): chr12:32,878,509, C deleted on the plus strand (G on the coding strand, the reverse complement: PKP2 is on the minus strand); the first of 4 consecutive C bases (chr12:32,878,509-32,878,512); deleting any one gives the same sequence. VCF-style (leftmost placement, unchanged base first): chr12-32878508-TC-T. GRCh37 (hg19) VCF-style: chr12-33031442-TC-T.
Other names: c.368delG, p.Gly124Glufs (NM_001407155.1, NM_001407156.1, NM_001407157.1 and 1 more transcripts); c.41delG, p.Gly15Glufs (NM_001407158.1, NM_001407159.1, NM_001407160.1 and 1 more transcripts); c.371del, p.Gly124fs (NM_004572.4); short protein forms G124fs.
Identifiers: ClinVar variation 1994294 (VCV001994294.4), dbSNP rs2541343011, ClinGen allele CA2580085430.

ClinVar aggregate classification (germline): Pathogenic (1 of 4 stars; one submission).

Conditions:
Arrhythmogenic right ventricular dysplasia 9 (ARVD9). Also called: ARRHYTHMOGENIC RIGHT VENTRICULAR DYSPLASIA, FAMILIAL, 9; Arrhythmogenic Right Ventricular Dysplasia/Cardiomyopathy 9. Identifiers: MedGen C1836906, MONDO:0012180, OMIM 609040.

Submission:

Labcorp Genetics (formerly Invitae), Labcorp
Classification: Pathogenic for Arrhythmogenic right ventricular dysplasia 9. Last evaluated: 2022-09-01. Review status: criteria provided, single submitter. Criteria: Invitae Variant Classification Sherloc (09022015). Collection method: clinical testing. Allele origin: germline.
Comment: This sequence change creates a premature translational stop signal (p.Gly124Glufs*18) in the PKP2 gene. It is expected to result in an absent or disrupted protein product. Loss-of-function variants in PKP2 are known to be pathogenic (PMID: 15489853, 23911551). This variant is not present in population databases (gnomAD no frequency). This variant has not been reported in the literature in individuals affected with PKP2-related conditions. For these reasons, this variant has been classified as Pathogenic.

Literature cited by the submitters: PubMed 15489853; PubMed 23911551.